The following is an entry in ClinVar:

NM_000535.7(PMS2):c.1411C>T (p.Gln471Ter)

Gene: PMS2 (PMS1 homolog 2, mismatch repair system component; minus strand). Cytogenetic location: 7p22.1.
Variant type: single nucleotide variant.
Coding change: c.1411C>T on transcript NM_000535.7 (MANE Select); coding-DNA position 1411, C replaced by T.
Protein change: p.Gln471Ter; replaces glutamine 471 with a stop codon.
Molecular consequence: nonsense. On other transcripts: non-coding transcript variant (1).
Genome position (GRCh38, 1-based): chr7:5,987,354, G>A on the plus strand (C>T on the coding strand, the complement: PMS2 is on the minus strand). VCF-style: chr7-5987354-G-A. GRCh37 (hg19) VCF-style: chr7-6026985-G-A.
Other names: c.1006C>T, p.Gln336Ter (NM_001322003.2, NM_001322004.2, NM_001322005.2 and 1 more transcripts); c.1255C>T, p.Gln419Ter (NM_001322006.2); c.1093C>T, p.Gln365Ter (NM_001322007.2, NM_001322008.2); c.850C>T, p.Gln284Ter (NM_001322010.2); c.478C>T, p.Gln160Ter (NM_001322011.2, NM_001322012.2); c.838C>T, p.Gln280Ter (NM_001322013.2); c.1411C>T, p.Gln471Ter (NM_001322014.2); c.1102C>T, p.Gln368Ter (NM_001322015.2); short protein forms Q471*, Q419*, Q284*, Q336*, Q365*, Q368*, Q160*, Q280*.
Identifiers: ClinVar variation 187043 (VCV000187043.15), dbSNP rs63751228, ClinGen allele CA009639.
Genomic context (GRCh38, chr7:5,987,354, plus strand): 5'-CCACCTCCGCTCTGTCCGTAGGGTCACTGGGTCCGTGACTGGAACTCACTGCCTCTTTCT[G>A]AGGTCTCAGGACGCCTTTGTCAGAGATGGCACCTGAAGTGCTAGAAGACAGCATACCCCT-3'

ClinVar aggregate classification (germline): Pathogenic. Review status: criteria provided, multiple submitters, no conflicts (2 of 4 stars). 2 submissions from 2 submitters: Pathogenic (2). Last evaluated 2025-08-29.

Conditions:
Hereditary nonpolyposis colorectal neoplasms. Identifiers: MedGen C0009405, MeSH D003123.
Hereditary cancer-predisposing syndrome. Also called: Neoplastic Syndromes, Hereditary; Tumor predisposition; Hereditary Cancer Syndrome; Hereditary neoplastic syndrome. Identifiers: Orphanet 140162, MedGen C0027672, MeSH D009386, MONDO:0015356.

Allele frequency attached by ClinVar (database versions not stated): gnomAD 0.00001.
gnomAD v4.1: 1 of 1,614,042 alleles (0.000062%); highest among the groups gnomAD compares: East Asian, 0.0022%; no homozygotes.

Submissions (2):

Ambry Genetics
Classification: Pathogenic for Hereditary cancer-predisposing syndrome. Last evaluated: 2025-08-29. Review status: criteria provided, single submitter. Criteria: Ambry Variant Classification Scheme 2023. Collection method: clinical testing. Allele origin: germline.
Comment: The p.Q471* pathogenic mutation (also known as c.1411C>T), located in coding exon 11 of the PMS2 gene, results from a C to T substitution at nucleotide position 1411. This changes the amino acid from a glutamine to a stop codon within coding exon 11. This alteration is expected to result in loss of function by premature protein truncation or nonsense-mediated mRNA decay. As such, this alteration is interpreted as a disease-causing mutation.

Labcorp Genetics (formerly Invitae), Labcorp
Classification: Pathogenic for Hereditary nonpolyposis colorectal neoplasms. Last evaluated: 2024-08-01. Review status: criteria provided, single submitter. Criteria: Invitae Variant Classification Sherloc (09022015). Collection method: clinical testing. Allele origin: germline.
Comment: This sequence change creates a premature translational stop signal (p.Gln471*) in the PMS2 gene. It is expected to result in an absent or disrupted protein product. Loss-of-function variants in PMS2 are known to be pathogenic (PMID: 21376568, 24362816). This variant is present in population databases (rs63751228, gnomAD 0.06%). This premature translational stop signal has been observed in individual(s) with clinical features of PMS2-related conditions (PMID: 28514183). ClinVar contains an entry for this variant (Variation ID: 187043). For these reasons, this variant has been classified as Pathogenic.

Literature cited by the submitters: PubMed 21376568 (cited by Labcorp Genetics (formerly Invitae), Labcorp); PubMed 24362816 (cited by Labcorp Genetics (formerly Invitae), Labcorp); PubMed 28514183 (cited by Labcorp Genetics (formerly Invitae), Labcorp).